The following is an entry in ClinVar:

ClinVar aggregate classification (germline): Uncertain significance (1 of 4 stars; one submission).

Conditions:
Hypertrophic cardiomyopathy. Also called: HYPERTROPHIC MYOCARDIOPATHY. Identifiers: Orphanet 217569, MedGen C0007194, MeSH D002312, MONDO:0005045, HP:0001639.

Allele frequency attached by ClinVar (database versions not stated): gnomAD exomes 0.00001; TOPMed 0.00001; ExAC 0.00002.

Submission:

Labcorp Genetics (formerly Invitae), Labcorp
Classification: Uncertain significance for Hypertrophic cardiomyopathy. Last evaluated: 2022-08-12. Review status: criteria provided, single submitter. Criteria: Invitae Variant Classification Sherloc (09022015). Collection method: clinical testing. Allele origin: germline.
Comment: This variant is present in population databases (rs781702950, gnomAD 0.01%). This sequence change replaces lysine, which is basic and polar, with glutamic acid, which is acidic and polar, at codon 1274 of the MYOM1 protein (p.Lys1274Glu). This variant has not been reported in the literature in individuals affected with MYOM1-related conditions. In summary, the available evidence is currently insufficient to determine the role of this variant in disease. Therefore, it has been classified as a Variant of Uncertain Significance. Algorithms developed to predict the effect of missense changes on protein structure and function (SIFT, PolyPhen-2, Align-GVGD) all suggest that this variant is likely to be tolerated.

NM_003803.4(MYOM1):c.3820A>G (p.Lys1274Glu)

Gene: MYOM1 (myomesin 1; minus strand). Cytogenetic location: 18p11.31.
Variant type: single nucleotide variant.
Coding change: c.3820A>G on transcript NM_003803.4 (MANE Select); coding-DNA position 3820, A replaced by G.
Protein change: p.Lys1274Glu; replaces lysine 1274 with glutamic acid.
Molecular consequence: missense variant.
Genome position (GRCh38, 1-based): chr18:3,094,214, T>C on the plus strand (A>G on the coding strand, the complement: MYOM1 is on the minus strand). VCF-style: chr18-3094214-T-C. GRCh37 (hg19) VCF-style: chr18-3094212-T-C.
Other names: c.3532A>G, p.Lys1178Glu (NM_019856.2); short protein forms K1274E, K1178E.
Identifiers: ClinVar variation 1981760 (VCV001981760.4), dbSNP rs781702950, ClinGen allele CA8874156.
Genomic context (GRCh38, chr18:3,094,214, plus strand): 5'-ACAGTGTAAAACCTACCGGGCCTTCAAAAATTTCCTTCTCGTTAAATATGTAGTTGACTT[T>C]GGCATTGCCAGACAGTTTCTCAGCCTGCATCCAAAACCGGACCTGGCCTTTCTCCAAAAT-3'
Protein context (NP_003794.3, residues 1264-1284): MQAEKLSGNA[Lys1274Glu]VNYIFNEKEI